The following is an entry in ClinVar:

ClinVar aggregate classification (germline): Uncertain significance (1 of 4 stars; one submission).

Submission:

Labcorp Genetics (formerly Invitae), Labcorp
Classification: Uncertain significance. Last evaluated: 2023-10-22. Review status: criteria provided, single submitter. Criteria: Invitae Variant Classification Sherloc (09022015). Collection method: clinical testing. Allele origin: germline.
Comment: This variant, c.1496_1498dup, results in the insertion of 1 amino acid(s) of the PPP3CA protein (p.Ile499dup), but otherwise preserves the integrity of the reading frame. This variant is not present in population databases (gnomAD no frequency). This variant has not been reported in the literature in individuals affected with PPP3CA-related conditions. In summary, the available evidence is currently insufficient to determine the role of this variant in disease. Therefore, it has been classified as a Variant of Uncertain Significance.

NM_000944.5(PPP3CA):c.1496_1498dup (p.Ile499_Asn500insIle)

Gene: PPP3CA (protein phosphatase 3 catalytic subunit alpha; minus strand). Cytogenetic location: 4q24.
Variant type: Duplication.
Coding change: c.1496_1498dup on transcript NM_000944.5 (MANE Select); coding-DNA positions 1496 to 1498, 3 bases duplicated (TCA; older notation c.1496_1498dupTCA).
Protein change: p.Ile499_Asn500insIle.
Molecular consequence: inframe insertion.
Genome position (GRCh38, 1-based): chr4:101,025,933-101,025,935, TGA duplicated on the plus strand (TCA on the coding strand, the reverse complement: PPP3CA is on the minus strand); duplicating any 3 consecutive bases within chr4:101,025,933-101,025,937 gives the same sequence; the c. name uses the placement nearest the transcript's 3' end. VCF-style (leftmost placement, unchanged base first): chr4-101025932-T-TTGA. GRCh37 (hg19) VCF-style: chr4-101947089-T-TTGA.
Other names: c.1466_1468dup, p.Ile489_Asn490insIle (NM_001130691.2); c.1340_1342dup, p.Ile447_Asn448insIle (NM_001130692.2).
Identifiers: ClinVar variation 2871644 (VCV002871644.3), dbSNP rs1726626222, ClinGen allele CA1480726432.
Genomic context (GRCh38, chr4:101,025,932, plus strand): 5'-ATATTGCTGCTATTACTGCCATTGCTGTCCGTGCCGTTAGTCTCTGAGGTGAGAGCCTTG[T>TTGA]TGATGGAGTTAAGGTTGGCGTCAGAGGGCATGGCATCTCTGCGAGGCGGCATCCTCTCAT-3'